The following is an entry in ClinVar:

NM_182961.4(SYNE1):c.22669A>T (p.Ile7557Phe)

Gene: SYNE1 (spectrin repeat containing nuclear envelope protein 1; minus strand). Cytogenetic location: 6q25.2.
Variant type: single nucleotide variant.
Coding change: c.22669A>T on transcript NM_182961.4 (MANE Select); coding-DNA position 22669, A replaced by T.
Protein change: p.Ile7557Phe; replaces isoleucine 7557 with phenylalanine.
Molecular consequence: missense variant.
Genome position (GRCh38, 1-based): chr6:152,208,127, T>A on the plus strand (A>T on the coding strand, the complement: SYNE1 is on the minus strand). VCF-style: chr6-152208127-T-A. GRCh37 (hg19) VCF-style: chr6-152529262-T-A.
Other names: c.22456A>T, p.Ile7486Phe (NM_033071.5); short protein forms I7486F, I7557F.
Identifiers: ClinVar variation 852333 (VCV000852333.11), dbSNP rs760818352, ClinGen allele CA366096334.

ClinVar aggregate classification (germline): Uncertain significance (1 of 4 stars; one submission).

Conditions:
Emery-Dreifuss muscular dystrophy 4, autosomal dominant (EDMD4). Also called: EMERY-DREIFUSS MUSCULAR DYSTROPHY 4 WITH VARIABLE FEATURES. Identifiers: Orphanet 261, MedGen C2751807, MONDO:0013071, OMIM 612998.
Autosomal recessive ataxia, Beauce type. Also called: ATAXIA, RECESSIVE, OF BEAUCE; SYNE1 Deficiency; Spinocerebellar ataxia, autosomal recessive 8; SYNE1-Related Autosomal Recessive Cerebellar Ataxia. Identifiers: Orphanet 88644, MedGen C1853116, MONDO:0012549, OMIM 610743.

Submission:

Labcorp Genetics (formerly Invitae), Labcorp
Classification: Uncertain significance for Emery-Dreifuss muscular dystrophy 4, autosomal dominant; Autosomal recessive ataxia, Beauce type. Last evaluated: 2022-07-26. Review status: criteria provided, single submitter. Criteria: Invitae Variant Classification Sherloc (09022015). Collection method: clinical testing. Allele origin: germline.
Comment: In summary, the available evidence is currently insufficient to determine the role of this variant in disease. Therefore, it has been classified as a Variant of Uncertain Significance. Algorithms developed to predict the effect of missense changes on protein structure and function are either unavailable or do not agree on the potential impact of this missense change (SIFT: "Deleterious"; PolyPhen-2: "Probably Damaging"; Align-GVGD: "Class C0"). ClinVar contains an entry for this variant (Variation ID: 852333). This variant has not been reported in the literature in individuals affected with SYNE1-related conditions. This variant is not present in population databases (gnomAD no frequency). This sequence change replaces isoleucine, which is neutral and non-polar, with phenylalanine, which is neutral and non-polar, at codon 7486 of the SYNE1 protein (p.Ile7486Phe).